The following is an entry in ClinVar:

ClinVar aggregate classification (germline): Uncertain significance. Review status: criteria provided, single submitter (1 of 4 stars). 2 submissions from 2 submitters: Uncertain significance (1). 1 of the submissions does not count toward it. Last evaluated 2024-02-17.

Conditions:
HNF1B-related disorder. Also called: HNF1B-related disorders; HNF1B-related condition.

Allele frequency attached by ClinVar (database versions not stated): gnomAD 0.00001; gnomAD exomes below 0.00001; TOPMed below 0.00001; ExAC 0.00001.
gnomAD v4.1: 8 of 1,613,984 alleles (0.0005%); highest among the groups gnomAD compares: Admixed American, 0.0033%; no homozygotes.

Submissions (2):

Labcorp Genetics (formerly Invitae), Labcorp
Classification: Uncertain significance. Last evaluated: 2024-02-17. Review status: criteria provided, single submitter. Criteria: Invitae Variant Classification Sherloc (09022015). Collection method: clinical testing. Allele origin: germline.
Comment: This sequence change replaces alanine, which is neutral and non-polar, with valine, which is neutral and non-polar, at codon 241 of the HNF1B protein (p.Ala241Val). This variant is present in population databases (rs773961869, gnomAD 0.006%). This variant has not been reported in the literature in individuals affected with HNF1B-related conditions. ClinVar contains an entry for this variant (Variation ID: 2047875). Advanced modeling of protein sequence and biophysical properties (such as structural, functional, and spatial information, amino acid conservation, physicochemical variation, residue mobility, and thermodynamic stability) performed at Invitae indicates that this missense variant is not expected to disrupt HNF1B protein function with a negative predictive value of 80%. In summary, the available evidence is currently insufficient to determine the role of this variant in disease. Therefore, it has been classified as a Variant of Uncertain Significance.

PreventionGenetics, part of Exact Sciences
Classification: Uncertain significance for HNF1B-related condition. Last evaluated: 2024-02-22. Review status: no assertion criteria provided. Collection method: clinical testing. Allele origin: germline. Not counted in ClinVar's aggregate classification.
Comment: The HNF1B c.722C>T variant is predicted to result in the amino acid substitution p.Ala241Val. To our knowledge, this variant has not been reported in the literature. This variant is reported in 0.0056% of alleles in individuals of Latino descent in gnomAD. Of note, a different substitution at the same codon, defined as c.721G>A (p.Ala241Thr), was reported in an individual in a HNF1B variant screen study of patients with early-onset diabetes or kidney disease or both, but the clinical significance was uncertain (Weng et al. 2000. PubMed ID: 10672455). At this time, the clinical significance of the c.722C>T (p.Ala241Val) variant is uncertain due to the absence of conclusive functional and genetic evidence.

NM_000458.4(HNF1B):c.722C>T (p.Ala241Val)

Genes: HNF1B (HNF1 homeobox B; minus strand), LOC126862549 (BRD4-independent group 4 enhancer GRCh37_chr17:36093401-36094600; plus strand). Cytogenetic location: 17q12.
Variant type: single nucleotide variant.
Coding change: c.722C>T on transcript NM_000458.4 (MANE Select); coding-DNA position 722, C replaced by T.
Protein change: p.Ala241Val; replaces alanine 241 with valine.
Molecular consequence: missense variant.
Genome position (GRCh38, 1-based): chr17:37,733,644, G>A on the plus strand (C>T on the coding strand, the complement: HNF1B is on the minus strand). VCF-style: chr17-37733644-G-A. GRCh37 (hg19) VCF-style: chr17-36093637-G-A.
Other names: c.722C>T (NM_000458.3); c.644C>T, p.Ala215Val (NM_001165923.4, NM_001304286.2); c.722C>T, p.Ala241Val (NM_001411100.1); short protein forms A241V, A215V.
Identifiers: ClinVar variation 2047875 (VCV002047875.6), dbSNP rs773961869, ClinGen allele CA8519022.